The following is an entry in ClinVar:

ClinVar aggregate classification (germline): Likely pathogenic (1 of 4 stars; one submission).

Conditions:
Developmental and epileptic encephalopathy, 38 (DEE38). Also called: Epileptic encephalopathy, early infantile, 38. Identifiers: MedGen C4310762, MONDO:0014868, OMIM 617020.

Submission:

Neuberg Centre For Genomic Medicine, NCGM
Classification: Likely pathogenic for Developmental and epileptic encephalopathy, 38. Review status: criteria provided, single submitter. Criteria: ACMG Guidelines, 2015. Collection method: clinical testing. Allele origin: germline. Affected: yes.
Comment: The frameshift variant c.672_673del (p.Leu225AlafsTer10) in ARV1 gene has not been reported previously as a pathogenic variant nor as a benign variant, to our knowledge. The p.Leu225AlafsTer10 variant is novel (not in any individuals) in gnomAD Exomes and 1000 Genomes. Null variant (frame-shift), in gene ARV1 for which loss-of-function is a known mechanism of disease. This variant causes a frameshift starting with codon Leucine 225, changes this amino acid to Alanine residue, and creates a premature Stop codon at position 10 of the new reading frame, denoted p.Leu225AlafsTer10. For these reasons, this variant has been classified as Likely Pathogenic.

NM_022786.3(ARV1):c.573_574del (p.Leu192fs)

Gene: ARV1 (ARV1 homolog, fatty acid homeostasis modulator; plus strand). Cytogenetic location: 1q42.2.
Variant type: Microsatellite.
Coding change: c.573_574del on transcript NM_022786.3 (MANE Select); coding-DNA positions 573 to 574, 2 bases deleted (CT; older notation c.573_574delCT).
Protein change: p.Leu192fs; shifts the reading frame from leucine 192.
Molecular consequence: frameshift variant. On other transcripts: non-coding transcript variant (1).
Genome position (GRCh38, 1-based): chr1:230,995,884-230,995,885, CT deleted; deleting any 2 consecutive bases within chr1:230,995,882-230,995,885 gives the same sequence; the c. name uses the placement nearest the transcript's 3' end. VCF-style (leftmost placement, unchanged base first): chr1-230995881-ACT-A. GRCh37 (hg19) VCF-style: chr1-231131627-ACT-A.
Other names: c.672_673del, p.Leu225fs (NM_001346992.2); short protein forms L192fs, L225fs.
Identifiers: ClinVar variation 1878578 (VCV001878578.1), dbSNP rs2527624286, ClinGen allele CA2580611559.